The following is an entry in ClinVar:

ClinVar aggregate classification (germline): Likely benign (1 of 4 stars; one submission).

Allele frequency attached by ClinVar (database versions not stated): gnomAD 0.00015; 1000 Genomes Project 0.00053; 1000 Genomes Project 30x 0.00062.
gnomAD v4.1: 102 of 1,039,595 alleles (0.0098%); highest among the groups gnomAD compares: East Asian, 0.23%; no homozygotes.

Submission:

CeGaT Center for Human Genetics Tuebingen
Classification: Likely benign. Last evaluated: 2022-12-01. Review status: criteria provided, single submitter. Criteria: CeGaT Center For Human Genetics Tuebingen Variant Classification Criteria Version 2. Collection method: clinical testing. Allele origin: germline. Affected: yes. Observed: 1 variant allele.
Comment: DDX3X: BS2

NM_001356.5(DDX3X):c.45+370G>T

Gene: DDX3X (DEAD-box helicase 3 X-linked; plus strand). Cytogenetic location: Xp11.4.
Variant type: single nucleotide variant.
Coding change: c.45+370G>T on transcript NM_001356.5 (MANE Select); 370 bases into the intron after coding-DNA position 45, G replaced by T.
Molecular consequence: intron variant.
Genome position (GRCh38, 1-based): chrX:41,334,667, G>T. VCF-style: chrX-41334667-G-T. GRCh37 (hg19) VCF-style: chrX-41193920-G-T.
Other names: c.45+370G>T (NM_001193416.3, NM_001193417.3); c.-1859+370G>T (NM_001363819.1).
Identifiers: ClinVar variation 2660337 (VCV002660337.24), dbSNP rs373874671, ClinGen allele CA10389307.
Genomic context (GRCh38, chrX:41,334,667, plus strand): 5'-ACTGATTAGTGACCTGGGGGGGTTTGCGGGAGTGCGCAGCGCGGCGGGACGCGACTGGAG[G>T]CCCTTTTGGCTTGGAGGGCTTCGGCCTTCACGGCTGGCGCAGCCTGGATTCCCGTCCGGA-3'